The following is an entry in ClinVar:

NM_003482.4(KMT2D):c.13120C>G (p.Leu4374Val)

Gene: KMT2D (lysine methyltransferase 2D; minus strand). Cytogenetic location: 12q13.12.
Variant type: single nucleotide variant.
Coding change: c.13120C>G on transcript NM_003482.4 (MANE Select); coding-DNA position 13120, C replaced by G.
Protein change: p.Leu4374Val; replaces leucine 4374 with valine.
Molecular consequence: missense variant.
Genome position (GRCh38, 1-based): chr12:49,031,585, G>C on the plus strand (C>G on the coding strand, the complement: KMT2D is on the minus strand). VCF-style: chr12-49031585-G-C. GRCh37 (hg19) VCF-style: chr12-49425368-G-C.
Other names: short protein forms L4374V.
Identifiers: ClinVar variation 4766452 (VCV004766452.2).
Genomic context (GRCh38, chr12:49,031,585, plus strand): 5'-GGCTGCTCTGCTCTGGCTTCTGGGTTTCTGCTAGGTTGTCTGGGGGATCCCAAGGTCCCA[G>C]ACCCTTGCTAAACAAGGTATCTGCAAGCTGGGCAGCAGCAGGTGAGACCCTCCCAGGAGG-3'
Protein context (NP_003473.3, residues 4364-4384): QLADTLFSKG[Leu4374Val]GPWDPPDNLA

ClinVar aggregate classification (germline): Uncertain significance. Review status: criteria provided, multiple submitters, no conflicts (2 of 4 stars). 2 submissions from 2 submitters: Uncertain significance (2). Last evaluated 2026-03-17.

Conditions:
Inborn genetic diseases. Identifiers: MedGen C0950123, MeSH D030342.
Kabuki syndrome. Also called: NIIKAWA-KUROKI SYNDROME; Kabuki make-up syndrome. Identifiers: Orphanet 2322, MedGen C0796004, MONDO:0016512.

gnomAD v4.1: 1 of 1,599,580 alleles (0.000063%); highest among the groups gnomAD compares: African/African-American, 0.0013%; no homozygotes.

Submissions (2):

Ambry Genetics
Classification: Uncertain significance for Inborn genetic diseases. Last evaluated: 2026-03-17. Review status: criteria provided, single submitter. Criteria: Ambry Variant Classification Scheme 2023. Collection method: clinical testing. Allele origin: germline.

Labcorp Genetics (formerly Invitae), Labcorp
Classification: Uncertain significance for Kabuki syndrome. Last evaluated: 2025-02-10. Review status: criteria provided, single submitter. Criteria: Invitae Variant Classification Sherloc (09022015). Collection method: clinical testing. Allele origin: germline.
Comment: This sequence change replaces leucine, which is neutral and non-polar, with valine, which is neutral and non-polar, at codon 4374 of the KMT2D protein (p.Leu4374Val). This variant is not present in population databases (gnomAD no frequency). This variant has not been reported in the literature in individuals affected with KMT2D-related conditions. Invitae Evidence Modeling of protein sequence and biophysical properties (such as structural, functional, and spatial information, amino acid conservation, physicochemical variation, residue mobility, and thermodynamic stability) indicates that this missense variant is not expected to disrupt KMT2D protein function with a negative predictive value of 95%. In summary, the available evidence is currently insufficient to determine the role of this variant in disease. Therefore, it has been classified as a Variant of Uncertain Significance.